The following is an entry in ClinVar:

NM_000256.3(MYBPC3):c.3106C>T (p.Arg1036Cys)

Gene: MYBPC3 (myosin binding protein C3; minus strand). Cytogenetic location: 11p11.2.
Variant type: single nucleotide variant.
Coding change: c.3106C>T on transcript NM_000256.3 (MANE Select); coding-DNA position 3106, C replaced by T.
Protein change: p.Arg1036Cys; replaces arginine 1036 with cysteine.
Molecular consequence: missense variant.
Genome position (GRCh38, 1-based): chr11:47,333,641, G>A on the plus strand (C>T on the coding strand, the complement: MYBPC3 is on the minus strand). VCF-style: chr11-47333641-G-A. GRCh37 (hg19) VCF-style: chr11-47355192-G-A.
Other names: p.R1036C:CGC>TGC; short protein forms R1036C.
Identifiers: ClinVar variation 42688 (VCV000042688.33), dbSNP rs61729664, ClinGen allele CA013488.
Genomic context (GRCh38, chr11:47,333,641, plus strand): 5'-CCTTGTCCTCCATGTTCTCAATGCGCACCGTCACCTGGTAAGTGCCTGAATGCACGCGGC[G>A]AGCGGCCCGGATGAACAGGATGGTGTCTGTGGGGCTGTTGCGGATGCTCACCTCCTCGCC-3'
Protein context (NP_000247.2, residues 1026-1046): TDTILFIRAA[Arg1036Cys]RVHSGTYQVT

ClinVar aggregate classification (germline): Benign/Likely benign. Review status: criteria provided, multiple submitters, no conflicts (2 of 4 stars). 18 submissions from 18 submitters: Benign (5); Likely benign (11). 2 of the submissions do not count toward it. Last evaluated 2026-01-28.

Conditions:
Cardiovascular phenotype. Identifiers: MedGen CN230736.
Cardiomyopathy (CMYO). Also called: Cardiomyopathies. Identifiers: Orphanet 167848, MedGen C0878544, MONDO:0004994, HP:0001638. Inheritance: Various modes of inheritance.
Long QT syndrome (LQTS). Identifiers: MedGen C0023976, MeSH D008133, MONDO:0002442. Disease mechanism: loss of function. Inheritance: Various modes of inheritance.
Hypertrophic cardiomyopathy 4. Also called: Familial hypertrophic cardiomyopathy 4. Identifiers: MedGen C1861862, MONDO:0007268, OMIM 115197.
Left ventricular noncompaction 10 (LVNC10). Identifiers: Orphanet 154, Orphanet 54260, MedGen C3715165, MONDO:0014163, OMIM 615396.
Hypertrophic cardiomyopathy. Also called: HYPERTROPHIC MYOCARDIOPATHY. Identifiers: Orphanet 217569, MedGen C0007194, MeSH D002312, MONDO:0005045, HP:0001639.

Allele frequency attached by ClinVar (database versions not stated): gnomAD exomes 0.00015 and 0.00042; ExAC 0.00051; gnomAD 0.00119 and 0.00128; TOPMed 0.00138; ESP Exome Variant Server 0.00209; 1000 Genomes Project 0.00260; 1000 Genomes Project 30x 0.00265.
gnomAD v4.1: 410 of 1,608,682 alleles (0.025%); highest among the groups gnomAD compares: African/African-American, 0.48%; 2 homozygotes.

Submissions (18):

Labcorp Genetics (formerly Invitae), Labcorp
Classification: Benign for Hypertrophic cardiomyopathy. Last evaluated: 2026-01-28. Review status: criteria provided, single submitter. Criteria: Invitae Variant Classification Sherloc (09022015). Collection method: clinical testing. Allele origin: germline.

Mayo Clinic Laboratories, Mayo Clinic
Classification: Likely benign. Last evaluated: 2025-10-09. Review status: criteria provided, single submitter. Criteria: ACMG Guidelines, 2015. Collection method: clinical testing. Allele origin: germline. Observed: 4 variant alleles.
Comment: BS1, BP4

ARUP Laboratories, Molecular Genetics and Genomics, ARUP Laboratories
Classification: Likely benign. Last evaluated: 2025-05-20. Review status: criteria provided, single submitter. Criteria: ARUP Molecular Germline Variant Investigation Process 2024. Collection method: clinical testing. Allele origin: germline.

Blueprint Genetics
Classification: Likely benign. Last evaluated: 2024-11-11. Review status: criteria provided, single submitter. Criteria: ACMG Guidelines, 2015. Collection method: clinical testing. Allele origin: germline.

Fulgent Genetics
Classification: Likely benign for Hypertrophic cardiomyopathy 4; Left ventricular noncompaction 10. Last evaluated: 2022-04-12. Review status: criteria provided, single submitter. Criteria: ACMG Guidelines, 2015. Collection method: clinical testing. Allele origin: unknown.

GeneDx
Classification: Likely benign. Last evaluated: 2020-12-16. Review status: criteria provided, single submitter. Criteria: GeneDx Variant Classification Process June 2021. Collection method: clinical testing. Allele origin: germline. Affected: yes.
Comment: This variant is associated with the following publications: (PMID: 24503780, 23861362, 22958901, 22763267, 27153395, 25524337, 28679633, 29121657, 25163546)

Women's Health and Genetics/Laboratory Corporation of America, LabCorp
Classification: Benign. Last evaluated: 2020-11-16. Review status: criteria provided, single submitter. Criteria: LabCorp Variant Classification Summary - May 2015. Collection method: clinical testing. Allele origin: germline.
Comment: Variant summary: MYBPC3 c.3106C>T (p.Arg1036Cys) results in a non-conservative amino acid change located in the Immunoglobulin-like domain of the encoded protein sequence. Four of five in-silico tools predict a damaging effect of the variant on protein function. The variant allele was found at a frequency of 0.00042 in 245430 control chromosomes, predominantly at a frequency of 0.0056 within the African or African-American subpopulation in the gnomAD database. The observed variant frequency within African or African-American control individuals in the gnomAD database is approximately 6 fold of the estimated maximal expected allele frequency for a pathogenic variant in MYBPC3 causing Cardiomyopathy phenotype (0.001), strongly suggesting that the variant is a benign polymorphism found primarily in populations of African or African-American origin. c.3106C>T has been reported in the literature in individuals affected with Cardiomyopathy. These reports do not provide unequivocal conclusions about association of the variant with Cardiomyopathy. Ten clinical diagnostic laboratories have submitted clinical-significance assessments for this variant to ClinVar after 2014 without evidence for independent evaluation. All laboratories classified the variant as benign/likely benign. Based on the evidence outlined above, the variant was classified as benign.

Mendelics
Classification: Benign for Hypertrophic cardiomyopathy 4. Last evaluated: 2019-05-28. Review status: criteria provided, single submitter. Criteria: Mendelics Assertion Criteria 2017. Collection method: clinical testing. Allele origin: unknown.

Ambry Genetics
Classification: Likely benign for Cardiovascular phenotype. Last evaluated: 2019-02-08. Review status: criteria provided, single submitter. Criteria: Ambry Variant Classification Scheme 2023. Collection method: clinical testing. Allele origin: germline.

Center for Advanced Laboratory Medicine, UC San Diego Health, University of California San Diego
Classification: Likely benign for Cardiomyopathy; Long QT Syndrome. Last evaluated: 2018-11-28. Review status: criteria provided, single submitter. Criteria: ACMG Guidelines, 2015. Collection method: clinical testing. Allele origin: germline. Affected: yes. Observed: 2 variant alleles.

Color Diagnostics, LLC DBA Color Health
Classification: Likely benign for Cardiomyopathy. Last evaluated: 2018-03-05. Review status: criteria provided, single submitter. Criteria: ACMG Guidelines, 2015. Collection method: clinical testing. Allele origin: germline.

Athena Diagnostics
Classification: Benign. Last evaluated: 2017-12-21. Review status: criteria provided, single submitter. Criteria: Athena Diagnostics Criteria. Collection method: clinical testing. Allele origin: germline.

Clinical Genetics DNA and cytogenetics Diagnostics Lab, Erasmus MC, Erasmus Medical Center
Classification: Likely benign for Hypertrophic cardiomyopathy 4. Last evaluated: 2017-07-12. Review status: criteria provided, single submitter. Criteria: ACGS Guidelines, 2013. Collection method: clinical testing. Allele origin: germline. Affected: yes. Study: VKGL Data-share Consensus.

Molecular Diagnostic Laboratory for Inherited Cardiovascular Disease, Montreal Heart Institute
Classification: Likely benign. Last evaluated: 2017-03-30. Review status: criteria provided, single submitter. Criteria: ACMG Guidelines, 2015. Collection method: clinical testing. Allele origin: germline. Affected: yes.

Laboratory for Molecular Medicine, Mass General Brigham Personalized Medicine
Classification: Likely benign. Last evaluated: 2015-10-22. Review status: criteria provided, single submitter. Criteria: LMM Criteria. Collection method: clinical testing. Allele origin: germline. Observed: 15 variant alleles.
Comment: p.Arg1036Cys in exon 29 of MYBPC3: This variant is not expected to have clinical significance because it is not located within the splice consensus sequence and has been identified in 0.6% (58/9778) of African chromosomes by the Exome Aggre gation Consortium (ExAC; dbSNP rs61729664).

Biesecker Lab/Clinical Genomics Section, National Institutes of Health
Classification: Benign. Last evaluated: 2013-06-24. Review status: criteria provided, single submitter. Criteria: Ng et al. (Circ Cardiovasc Genet. 2013). Collection method: research. Allele origin: unknown. Observed: 1 variant allele. Study: ClinSeq.
Comment: The study set was not selected for affection status in relation to any cancer. Pathogenicity categories were based on literature curation. See Pubmed ID:23861362 for details.

Medical sequencing

Clinical Genetics, Academic Medical Center
Classification: Benign. Review status: no assertion criteria provided. Collection method: clinical testing. Allele origin: germline. Affected: yes. Study: VKGL Data-share Consensus. Not counted in ClinVar's aggregate classification.

Joint Genome Diagnostic Labs from Nijmegen and Maastricht, Radboudumc and MUMC+
Classification: Likely benign. Review status: no assertion criteria provided. Collection method: clinical testing. Allele origin: germline. Affected: yes. Study: VKGL Data-share Consensus. Not counted in ClinVar's aggregate classification.

Literature cited by the submitters: PubMed 28679633 (cited by Mayo Clinic Laboratories, Mayo Clinic and Athena Diagnostics); PubMed 29121657 (cited by Mayo Clinic Laboratories, Mayo Clinic); PubMed 34097875 (cited by Mayo Clinic Laboratories, Mayo Clinic); PubMed 22958901 (cited by Women's Health and Genetics/Laboratory Corporation of America, LabCorp and Athena Diagnostics); PubMed 23861362 (cited by 3 submitters); PubMed 24503780 (cited by 3 submitters); PubMed 25524337 (cited by 3 submitters); PubMed 25163546 (cited by Women's Health and Genetics/Laboratory Corporation of America, LabCorp and Athena Diagnostics); PubMed 27153395 (cited by Women's Health and Genetics/Laboratory Corporation of America, LabCorp and Athena Diagnostics); PubMed 22763267 (cited by Athena Diagnostics).